The following is an entry in ClinVar:

NC_000012.12:g.21765840C>T

Genes: KCNJ8 (potassium inwardly rectifying channel subfamily J member 8; minus strand), KCNJ8-AS1 (KCNJ8 antisense RNA 1; plus strand). Cytogenetic location: 12p12.1.
Variant type: single nucleotide variant.
Genome position: GRCh38 VCF-style: chr12-21765840-C-T. GRCh37 (hg19) VCF-style: chr12-21918774-C-T.
Identifiers: ClinVar variation 2181361 (VCV002181361.4), dbSNP rs763595700, ClinGen allele CA6480621.

ClinVar aggregate classification (germline): Uncertain significance (1 of 4 stars; one submission).

Conditions:
Brugada syndrome. Also called: Sudden Unexplained Death Syndrome; Sudden Unexplained Nocturnal Death Syndrome (SUNDS); Sudden unexpected nocturnal death syndrome; Sudden unexplained nocturnal death syndrome. Identifiers: Orphanet 130, MedGen C1142166, MONDO:0015263.

Allele frequency attached by ClinVar (database versions not stated): ExAC 0.00001; gnomAD exomes 0.00001.
gnomAD v4.1: 3 of 1,614,162 alleles (0.00019%); highest among the groups gnomAD compares: South Asian, 0.0011%; no homozygotes.

Submission:

Labcorp Genetics (formerly Invitae), Labcorp
Classification: Uncertain significance for Brugada syndrome. Last evaluated: 2022-03-25. Review status: criteria provided, single submitter. Criteria: Invitae Variant Classification Sherloc (09022015). Collection method: clinical testing. Allele origin: germline.
Comment: In summary, the available evidence is currently insufficient to determine the role of this variant in disease. Therefore, it has been classified as a Variant of Uncertain Significance. Advanced modeling of protein sequence and biophysical properties (such as structural, functional, and spatial information, amino acid conservation, physicochemical variation, residue mobility, and thermodynamic stability) performed at Invitae indicates that this missense variant is not expected to disrupt KCNJ8 protein function. This variant has not been reported in the literature in individuals affected with KCNJ8-related conditions. This variant is present in population databases (rs763595700, gnomAD 0.0009%). This sequence change replaces methionine, which is neutral and non-polar, with isoleucine, which is neutral and non-polar, at codon 386 of the KCNJ8 protein (p.Met386Ile).